The following is an entry in ClinVar:

NM_000257.4(MYH7):c.4176G>T (p.Lys1392Asn)

Gene: MYH7 (myosin heavy chain 7; minus strand). Cytogenetic location: 14q11.2.
Variant type: single nucleotide variant.
Coding change: c.4176G>T on transcript NM_000257.4 (MANE Select); coding-DNA position 4176, G replaced by T.
Protein change: p.Lys1392Asn; replaces lysine 1392 with asparagine.
Molecular consequence: missense variant.
Genome position (GRCh38, 1-based): chr14:23,417,680, C>A on the plus strand (G>T on the coding strand, the complement: MYH7 is on the minus strand). VCF-style: chr14-23417680-C-A. GRCh37 (hg19) VCF-style: chr14-23886889-C-A.
Other names: c.4176G>T, p.Lys1392Asn (NM_001407004.1); short protein forms K1392N.
Identifiers: ClinVar variation 3066245 (VCV003066245.1), dbSNP rs2502252331, ClinGen allele CA389040608.

ClinVar aggregate classification (germline): Uncertain significance (1 of 4 stars; one submission).

Conditions:
Dilated cardiomyopathy 1S (CMD1S). Identifiers: Orphanet 154, Orphanet 54260, MedGen C1834481, MONDO:0013262, OMIM 613426.

Submission:

MVZ Medizinische Genetik Mainz
Classification: Uncertain significance for Dilated cardiomyopathy 1S. Last evaluated: 2021-12-06. Review status: criteria provided, single submitter. Criteria: UK Practice Guidelines For Variant Classification V4 01 2020. Collection method: clinical testing. Allele origin: germline. Inheritance: Autosomal dominant inheritance. Affected: yes. Observed: 1 variant allele.
Comment: ACMG Criteria: PM2_SUP, PP3 (ACMG Version 3)